The following is an entry in ClinVar:

ClinVar aggregate classification (germline): Uncertain significance (1 of 4 stars; one submission).

Conditions:
Hereditary cancer-predisposing syndrome. Also called: Neoplastic Syndromes, Hereditary; Tumor predisposition; Hereditary Cancer Syndrome; Hereditary neoplastic syndrome. Identifiers: Orphanet 140162, MedGen C0027672, MeSH D009386, MONDO:0015356.

Allele frequency attached by ClinVar (database versions not stated): TOPMed below 0.00001.

Submission:

Ambry Genetics
Classification: Uncertain significance for Hereditary cancer-predisposing syndrome. Last evaluated: 2025-07-22. Review status: criteria provided, single submitter. Criteria: Ambry Variant Classification Scheme 2023. Collection method: clinical testing. Allele origin: germline.
Comment: The p.F291S variant (also known as c.872T>C), located in coding exon 3 of the BLM gene, results from a T to C substitution at nucleotide position 872. The phenylalanine at codon 291 is replaced by serine, an amino acid with highly dissimilar properties. This amino acid position is poorly conserved in available vertebrate species. In addition, this alteration is predicted to be tolerated by in silico analysis. Since supporting evidence is limited at this time, the clinical significance of this alteration remains unclear.

NM_000057.4(BLM):c.872T>C (p.Phe291Ser)

Gene: BLM (BLM RecQ like helicase; plus strand). Cytogenetic location: 15q26.1.
Variant type: single nucleotide variant.
Coding change: c.872T>C on transcript NM_000057.4 (MANE Select); coding-DNA position 872, T replaced by C.
Protein change: p.Phe291Ser; replaces phenylalanine 291 with serine.
Molecular consequence: missense variant. On other transcripts: 5 prime UTR variant (1).
Genome position (GRCh38, 1-based): chr15:90,751,859, T>C. VCF-style: chr15-90751859-T-C. GRCh37 (hg19) VCF-style: chr15-91295089-T-C.
Other names: c.872T>C, p.Phe291Ser (NM_001287246.2, NM_001287247.2); c.-420T>C (NM_001287248.2); short protein forms F291S.
Identifiers: ClinVar variation 1764476 (VCV001764476.3), dbSNP rs1895694262, ClinGen allele CA393841776.